The following is an entry in ClinVar:

ClinVar aggregate classification (germline): Likely benign. Review status: criteria provided, multiple submitters, no conflicts (2 of 4 stars). 2 submissions from 2 submitters: Likely benign (2). Last evaluated 2025-11-01.

Allele frequency attached by ClinVar (database versions not stated): TOPMed 0.00003; gnomAD 0.00005; ESP Exome Variant Server 0.00008.
gnomAD v4.1: 40 of 1,614,020 alleles (0.0025%); highest among the groups gnomAD compares: African/African-American, 0.015%; no homozygotes.

Submissions (2):

CeGaT Center for Human Genetics Tuebingen
Classification: Likely benign. Last evaluated: 2025-11-01. Review status: criteria provided, single submitter. Criteria: CeGaT Center For Human Genetics Tuebingen Variant Classification Criteria Version 2. Collection method: clinical testing. Allele origin: germline. Affected: yes. Observed: 1 variant allele.
Comment: KANK1: BP4

Labcorp Genetics (formerly Invitae), Labcorp
Classification: Likely benign. Last evaluated: 2023-01-24. Review status: criteria provided, single submitter. Criteria: Invitae Variant Classification Sherloc (09022015). Collection method: clinical testing. Allele origin: germline.

NM_015158.5(KANK1):c.3172T>C (p.Leu1058=)

Gene: KANK1 (KN motif and ankyrin repeat domains 1; plus strand). Cytogenetic location: 9p24.3.
Variant type: single nucleotide variant.
Coding change: c.3172T>C on transcript NM_015158.5 (MANE Select); coding-DNA position 3172, T replaced by C.
Protein change: p.Leu1058=; no amino-acid change (leucine 1058 retained).
Molecular consequence: synonymous variant. On other transcripts: intron variant (5).
Genome position (GRCh38, 1-based): chr9:732,544, T>C. VCF-style: chr9-732544-T-C. GRCh37 (hg19) VCF-style: chr9-732544-T-C.
Other names: c.3172T>C, p.Leu1058= (NM_001256876.3, NM_001256877.3, NM_001354334.2); c.3118T>C, p.Leu1040= (NM_001354332.2); c.2698T>C, p.Leu900= (NM_001354333.2, NM_001354335.2, NM_001354337.2 and 2 more transcripts); c.2644T>C, p.Leu882= (NM_001354338.2, NM_001354340.2, NM_001354344.2); c.3005+1278T>C (NM_001354331.2); c.2477+1278T>C (NM_001354336.2); c.2531+1278T>C (NM_001354339.2, NM_001354343.2, NM_001354342.2).
Identifiers: ClinVar variation 1940914 (VCV001940914.11), dbSNP rs142930370, ClinGen allele CA187788432.
Genomic context (GRCh38, chr9:732,544, plus strand): 5'-GAGGAGGATGAAGACACTCGGGGAATGGCAGAAGGGCACCATGCAGTTAATATTGAAGGT[T>C]TGAAGTCTGCCAGGGTGGAAGATGAAATGCAGGTTCAAGAATGTGAACCTGAGAAGGTGG-3'
Protein context (NP_055973.2, residues 1048-1068): EGHHAVNIEG[Leu1058=]KSARVEDEMQ